The following is an entry in ClinVar:

NM_000416.3(IFNGR1):c.1016A>G (p.Asn339Ser)

Gene: IFNGR1 (interferon gamma receptor 1; minus strand). Cytogenetic location: 6q23.3.
Variant type: single nucleotide variant.
Coding change: c.1016A>G on transcript NM_000416.3 (MANE Select); coding-DNA position 1016, A replaced by G.
Protein change: p.Asn339Ser; replaces asparagine 339 with serine.
Molecular consequence: missense variant.
Genome position (GRCh38, 1-based): chr6:137,198,485, T>C on the plus strand (A>G on the coding strand, the complement: IFNGR1 is on the minus strand). VCF-style: chr6-137198485-T-C. GRCh37 (hg19) VCF-style: chr6-137519622-T-C.
Other names: c.986A>G, p.Asn329Ser (NM_001363526.1); c.893A>G, p.Asn298Ser (NM_001363527.1); short protein forms N298S, N329S, N339S.
Identifiers: ClinVar variation 838646 (VCV000838646.13), dbSNP rs748478456, ClinGen allele CA4018827.

ClinVar aggregate classification (germline): Uncertain significance. Review status: criteria provided, multiple submitters, no conflicts (2 of 4 stars). 2 submissions from 2 submitters: Uncertain significance (2). Last evaluated 2024-10-09.

Conditions:
Disseminated atypical mycobacterial infection. Identifiers: MedGen C0694566.

Allele frequency attached by ClinVar (database versions not stated): gnomAD exomes below 0.00001 and 0.00001; ExAC 0.00001.
gnomAD v4.1: 6 of 1,614,158 alleles (0.00037%); highest among the groups gnomAD compares: Non-Finnish European, 0.00051%; no homozygotes.

Submissions (2):

GeneDx
Classification: Uncertain significance. Last evaluated: 2024-10-09. Review status: criteria provided, single submitter. Criteria: GeneDx Variant Classification Process June 2021. Collection method: clinical testing. Allele origin: germline.
Comment: In silico analysis indicates that this missense variant does not alter protein structure/function; Has not been previously published as pathogenic or benign to our knowledge; Not observed at significant frequency in large population cohorts (gnomAD)

Labcorp Genetics (formerly Invitae), Labcorp
Classification: Uncertain significance for Disseminated atypical mycobacterial infection. Last evaluated: 2024-03-15. Review status: criteria provided, single submitter. Criteria: Invitae Variant Classification Sherloc (09022015). Collection method: clinical testing. Allele origin: germline.
Comment: This sequence change replaces asparagine, which is neutral and polar, with serine, which is neutral and polar, at codon 339 of the IFNGR1 protein (p.Asn339Ser). This variant is present in population databases (rs748478456, gnomAD 0.002%). This variant has not been reported in the literature in individuals affected with IFNGR1-related conditions. ClinVar contains an entry for this variant (Variation ID: 838646). Advanced modeling of protein sequence and biophysical properties (such as structural, functional, and spatial information, amino acid conservation, physicochemical variation, residue mobility, and thermodynamic stability) performed at Invitae indicates that this missense variant is not expected to disrupt IFNGR1 protein function with a negative predictive value of 80%. In summary, the available evidence is currently insufficient to determine the role of this variant in disease. Therefore, it has been classified as a Variant of Uncertain Significance.